The following is an entry in ClinVar:

ClinVar aggregate classification (germline): Conflicting classifications of pathogenicity. Review status: criteria provided, conflicting classifications (1 of 4 stars). 2 submissions from 2 submitters: Uncertain significance (1); Likely benign (1). Last evaluated 2023-03-23.

Conditions:
Hereditary cancer-predisposing syndrome. Also called: Hereditary neoplastic syndrome; Neoplastic Syndromes, Hereditary; Hereditary Cancer Syndrome; Tumor predisposition. Identifiers: Orphanet 140162, MedGen C0027672, MeSH D009386, MONDO:0015356.
Hereditary breast ovarian cancer syndrome. Also called: BRCA1- and BRCA2-Associated Hereditary Breast and Ovarian Cancer; Hereditary breast and ovarian cancer syndrome (HBOC); Hereditary breast and/or ovarian cancer syndrome; Hereditary breast and ovarian cancer syndrome; Hereditary breast and ovarian cancer; Breast and ovarian cancer. Identifiers: Orphanet 145, MedGen C0677776, MeSH D061325, MONDO:0003582. Disease mechanism: loss of function.

Submissions (2):

University of Washington Department of Laboratory Medicine, University of Washington
Classification: Likely benign for Hereditary cancer-predisposing syndrome. Last evaluated: 2023-03-23. Review status: criteria provided, single submitter. Criteria: Dines et al. (Genet Med. 2020). Collection method: curation. Allele origin: germline.
Comment: Missense variant in a coldspot region where missense variants are very unlikely to be pathogenic (PMID:31911673).

BRCA2 exon 11 coldspot. Reclassification based on statistical prior probability.

Labcorp Genetics (formerly Invitae), Labcorp
Classification: Uncertain significance for Hereditary breast ovarian cancer syndrome. Last evaluated: 2022-10-05. Review status: criteria provided, single submitter. Criteria: Invitae Variant Classification Sherloc (09022015). Collection method: clinical testing. Allele origin: germline.
Comment: In summary, the available evidence is currently insufficient to determine the role of this variant in disease. Therefore, it has been classified as a Variant of Uncertain Significance. Advanced modeling of protein sequence and biophysical properties (such as structural, functional, and spatial information, amino acid conservation, physicochemical variation, residue mobility, and thermodynamic stability) performed at Invitae indicates that this missense variant is not expected to disrupt BRCA2 protein function. This variant has not been reported in the literature in individuals affected with BRCA2-related conditions. This variant is not present in population databases (gnomAD no frequency). This sequence change replaces glutamine, which is neutral and polar, with histidine, which is basic and polar, at codon 2164 of the BRCA2 protein (p.Gln2164His).

NM_000059.4(BRCA2):c.6492G>C (p.Gln2164His)

Gene: BRCA2 (BRCA2 DNA repair associated; plus strand). Cytogenetic location: 13q13.1.
Variant type: single nucleotide variant.
Coding change: c.6492G>C on transcript NM_000059.4 (MANE Select); coding-DNA position 6492, G replaced by C.
Protein change: p.Gln2164His; replaces glutamine 2164 with histidine.
Molecular consequence: missense variant.
Genome position (GRCh38, 1-based): chr13:32,340,847, G>C. VCF-style: chr13-32340847-G-C. GRCh37 (hg19) VCF-style: chr13-32914984-G-C.
Other names: c.6492G>C, p.Gln2164His (NM_001406719.1, NM_001406720.1); short protein forms Q2164H.
Identifiers: ClinVar variation 1721062 (VCV001721062.7), dbSNP rs2137528107, ClinGen allele CA387789504.